The following is an entry in ClinVar:

ClinVar aggregate classification (germline): Uncertain significance (1 of 4 stars; one submission).

Submission:

Women's Health and Genetics/Laboratory Corporation of America, LabCorp
Classification: Uncertain significance. Last evaluated: 2025-02-18. Review status: criteria provided, single submitter. Criteria: LabCorp Variant Classification Summary - May 2015. Collection method: clinical testing. Allele origin: germline.
Comment: Variant summary: CFTR c.1978T>A (p.Ser660Thr) results in a conservative amino acid change located in the ATP-binding cassette domain 1 (IPR047082) of the encoded protein sequence. Four of five in-silico tools predict a damaging effect of the variant on protein function. The variant was absent in 250630 control chromosomes (gnomAD). The available data on variant occurrences in the general population are insufficient to allow any conclusion about variant significance. c.1978T>A has been reported in the literature without strong evidence for or against pathogenicity (Morea_2005, Picci_2010). These report(s) do not provide unequivocal conclusions about association of the variant with Cystic Fibrosis. To our knowledge, no experimental evidence demonstrating an impact on protein function has been reported. The following publications have been ascertained in the context of this evaluation (PMID: 16126774, 19897426). No submitters have cited clinical-significance assessments for this variant to ClinVar. Based on the evidence outlined above, the variant was classified as uncertain significance.

Literature cited by the submitters: PubMed 16126774; PubMed 19897426.

NM_000492.4(CFTR):c.1978T>A (p.Ser660Thr)

Gene: CFTR (CF transmembrane conductance regulator; plus strand). Cytogenetic location: 7q31.2.
Variant type: single nucleotide variant.
Coding change: c.1978T>A on transcript NM_000492.4 (MANE Select); coding-DNA position 1978, T replaced by A.
Protein change: p.Ser660Thr; replaces serine 660 with threonine.
Molecular consequence: missense variant.
Genome position (GRCh38, 1-based): chr7:117,592,145, T>A. VCF-style: chr7-117592145-T-A. GRCh37 (hg19) VCF-style: chr7-117232199-T-A.
Other names: short protein forms S660T.
Identifiers: ClinVar variation 3769009 (VCV003769009.1).
Genomic context (GRCh38, chr7:117,592,145, plus strand): 5'-TTTAGCTCAAAACTCATGGGATGTGATTCTTTCGACCAATTTAGTGCAGAAAGAAGAAAT[T>A]CAATCCTAACTGAGACCTTACACCGTTTCTCATTAGAAGGAGATGCTCCTGTCTCCTGGA-3'
Protein context (NP_000483.3, residues 650-670): FDQFSAERRN[Ser660Thr]ILTETLHRFS